The following is an entry in ClinVar:

NM_012281.3(KCND2):c.1475A>T (p.Glu492Val)

Gene: KCND2 (potassium voltage-gated channel subfamily D member 2; plus strand). Cytogenetic location: 7q31.31.
Variant type: single nucleotide variant.
Coding change: c.1475A>T on transcript NM_012281.3 (MANE Select); coding-DNA position 1475, A replaced by T.
Protein change: p.Glu492Val; replaces glutamic acid 492 with valine.
Molecular consequence: missense variant.
Genome position (GRCh38, 1-based): chr7:120,745,787, A>T. VCF-style: chr7-120745787-A-T. GRCh37 (hg19) VCF-style: chr7-120385841-A-T.
Other names: short protein forms E492V.
Identifiers: ClinVar variation 3700974 (VCV003700974.2).
Genomic context (GRCh38, chr7:120,745,787, plus strand): 5'-GTTTTTAAAAATGTGCTTCTCTGTTTCTTCATTTACTTACAACTGTGGAACAGAATCACG[A>T]GTTTGTGGACGAACAAGTCTTTGAAGAAAGCTGCATGGAAGTTGCAACTGTTAATCGTCC-3'
Protein context (NP_036413.1, residues 482-502): LHCLEKTTNH[Glu492Val]FVDEQVFEES

ClinVar aggregate classification (germline): Uncertain significance (1 of 4 stars; one submission).

Conditions:
Early Myoclonic Encephalopathy. Identifiers: MedGen C0270855.

gnomAD v4.1: 6 of 1,613,570 alleles (0.00037%); highest among the groups gnomAD compares: Non-Finnish European, 0.00051%; no homozygotes.

Submission:

Labcorp Genetics (formerly Invitae), Labcorp
Classification: Uncertain significance for Early Myoclonic Encephalopathy. Last evaluated: 2024-03-09. Review status: criteria provided, single submitter. Criteria: Invitae Variant Classification Sherloc (09022015). Collection method: clinical testing. Allele origin: germline.
Comment: This sequence change replaces glutamic acid, which is acidic and polar, with valine, which is neutral and non-polar, at codon 492 of the KCND2 protein (p.Glu492Val). This variant is present in population databases (rs748352117, gnomAD 0.003%). This variant has not been reported in the literature in individuals affected with KCND2-related conditions. Advanced modeling of protein sequence and biophysical properties (such as structural, functional, and spatial information, amino acid conservation, physicochemical variation, residue mobility, and thermodynamic stability) performed at Invitae indicates that this missense variant is not expected to disrupt KCND2 protein function with a negative predictive value of 80%. In summary, the available evidence is currently insufficient to determine the role of this variant in disease. Therefore, it has been classified as a Variant of Uncertain Significance.